The following is an entry in ClinVar:

NM_000051.4(ATM):c.2166delinsTTT (p.Leu722fs)

Gene: ATM (ATM serine/threonine kinase; plus strand). Cytogenetic location: 11q22.3.
Variant type: Indel.
Coding change: c.2166delinsTTT on transcript NM_000051.4 (MANE Select); coding-DNA position 2166, G replaced by TTT.
Protein change: p.Leu722fs; shifts the reading frame from leucine 722.
Molecular consequence: frameshift variant.
Genome position (GRCh38, 1-based): chr11:108,256,256, G replaced by TTT. VCF-style: chr11-108256256-G-TTT. GRCh37 (hg19) VCF-style: chr11-108126983-G-TTT.
Other names: c.2166delinsTTT, p.Leu722fs (NM_001351834.2); short protein forms L722fs.
Identifiers: ClinVar variation 3452879 (VCV003452879.1).

ClinVar aggregate classification (germline): Pathogenic (1 of 4 stars; one submission).

Conditions:
Hereditary cancer-predisposing syndrome. Also called: Tumor predisposition; Neoplastic Syndromes, Hereditary; Hereditary neoplastic syndrome; Hereditary Cancer Syndrome. Identifiers: Orphanet 140162, MedGen C0027672, MeSH D009386, MONDO:0015356.

Submission:

Ambry Genetics
Classification: Pathogenic for Hereditary cancer-predisposing syndrome. Last evaluated: 2024-11-21. Review status: criteria provided, single submitter. Criteria: Ambry Variant Classification Scheme 2023. Collection method: clinical testing. Allele origin: germline.
Comment: The c.2166delGinsTTT pathogenic mutation, located in coding exon 13 of the ATM gene, results from the deletion of one nucleotide and insertion of 3 nucleotides causing a translational frameshift with a predicted alternate stop codon (p.L722Ffs*14). This variant is considered to be rare based on population cohorts in the Genome Aggregation Database (gnomAD). This alteration is expected to result in loss of function by premature protein truncation or nonsense-mediated mRNA decay. As such, this alteration is interpreted as a disease-causing mutation.